The following is an entry in ClinVar:

ClinVar aggregate classification (germline): Uncertain significance (1 of 4 stars; one submission).

Conditions:
Inborn genetic diseases. Identifiers: MedGen C0950123, MeSH D030342.

gnomAD v4.1: 2 of 1,614,050 alleles (0.00012%); highest among the groups gnomAD compares: South Asian, 0.0022%; no homozygotes.

Submission:

Ambry Genetics
Classification: Uncertain significance for Inborn genetic diseases. Last evaluated: 2025-01-07. Review status: criteria provided, single submitter. Criteria: Ambry Variant Classification Scheme 2023. Collection method: clinical testing. Allele origin: germline.
Comment: The p.S566N variant (also known as c.1697G>A), located in coding exon 14 of the BUB1B gene, results from a G to A substitution at nucleotide position 1697. The serine at codon 566 is replaced by asparagine, an amino acid with highly similar properties. This amino acid position is conserved. In addition, this alteration is predicted to be tolerated by in silico analysis. Based on the available evidence, the clinical significance of this variant remains unclear.

NM_001211.6(BUB1B):c.1697G>A (p.Ser566Asn)

Gene: BUB1B (BUB1 mitotic checkpoint serine/threonine kinase B; plus strand). Cytogenetic location: 15q15.1.
Variant type: single nucleotide variant.
Coding change: c.1697G>A on transcript NM_001211.6 (MANE Select); coding-DNA position 1697, G replaced by A.
Protein change: p.Ser566Asn; replaces serine 566 with asparagine.
Molecular consequence: missense variant.
Genome position (GRCh38, 1-based): chr15:40,202,657, G>A. VCF-style: chr15-40202657-G-A. GRCh37 (hg19) VCF-style: chr15-40494858-G-A.
Other names: short protein forms S566N.
Identifiers: ClinVar variation 3826089 (VCV003826089.1).